The following is an entry in ClinVar:

ClinVar aggregate classification (germline): Uncertain significance. Review status: criteria provided, multiple submitters, no conflicts (2 of 4 stars). 2 submissions from 2 submitters: Uncertain significance (2). Last evaluated 2025-04-17.

Conditions:
Hereditary cancer-predisposing syndrome. Also called: Hereditary neoplastic syndrome; Neoplastic Syndromes, Hereditary; Tumor predisposition; Hereditary Cancer Syndrome. Identifiers: Orphanet 140162, MedGen C0027672, MeSH D009386, MONDO:0015356.
Fanconi anemia complementation group J. Also called: BRIP1-Related Fanconi Anemia. Identifiers: Orphanet 84, MedGen C1836860, MONDO:0012187, OMIM 609054.
Familial cancer of breast. Also called: BREAST CANCER, FAMILIAL; hereditary breast carcinoma; Hereditary breast cancer. Identifiers: Orphanet 227535, MedGen C0346153, MONDO:0016419, OMIM 114480. Disease mechanism: loss of function.

Allele frequency attached by ClinVar (database versions not stated): TOPMed below 0.00001.

Submissions (2):

Ambry Genetics
Classification: Uncertain significance for Hereditary cancer-predisposing syndrome. Last evaluated: 2025-04-17. Review status: criteria provided, single submitter. Criteria: Ambry Variant Classification Scheme 2023. Collection method: clinical testing. Allele origin: germline.
Comment: The p.A62T variant (also known as c.184G>A), located in coding exon 2 of the BRIP1 gene, results from a G to A substitution at nucleotide position 184. The alanine at codon 62 is replaced by threonine, an amino acid with similar properties. This amino acid position is well conserved in available vertebrate species. In addition, this alteration is predicted to be tolerated by in silico analysis. Since supporting evidence is limited at this time, the clinical significance of this alteration remains unclear.

Labcorp Genetics (formerly Invitae), Labcorp
Classification: Uncertain significance for Familial cancer of breast; Fanconi anemia complementation group J. Last evaluated: 2017-03-10. Review status: criteria provided, single submitter. Criteria: Invitae Variant Classification Sherloc (09022015). Collection method: clinical testing. Allele origin: germline.
Comment: This sequence change replaces alanine with threonine at codon 62 of the BRIP1 protein (p.Ala62Thr). The alanine residue is moderately conserved and there is a small physicochemical difference between alanine and threonine. In summary, this variant is a novel missense change with uncertain impact on protein function. It has been classified as a Variant of Uncertain Significance. Algorithms developed to predict the effect of missense changes on protein structure and function do not agree on the potential impact of this missense change (SIFT: "Tolerated"; PolyPhen-2: "Possibly Damaging"; Align-GVGD: "Class C0"). This variant is not present in population databases (ExAC no frequency) and has not been reported in the literature in individuals with a BRIP1-related disease.

NM_032043.3(BRIP1):c.184G>A (p.Ala62Thr)

Gene: BRIP1 (BRCA1 interacting DNA helicase 1; minus strand). Cytogenetic location: 17q23.2.
Variant type: single nucleotide variant.
Coding change: c.184G>A on transcript NM_032043.3 (MANE Select); coding-DNA position 184, G replaced by A.
Protein change: p.Ala62Thr; replaces alanine 62 with threonine.
Molecular consequence: missense variant.
Genome position (GRCh38, 1-based): chr17:61,859,817, C>T on the plus strand (G>A on the coding strand, the complement: BRIP1 is on the minus strand). VCF-style: chr17-61859817-C-T. GRCh37 (hg19) VCF-style: chr17-59937178-C-T.
Other names: short protein forms A62T.
Identifiers: ClinVar variation 461085 (VCV000461085.15), dbSNP rs786202861, ClinGen allele CA400485692.